The following is an entry in ClinVar:

ClinVar aggregate classification (germline): Uncertain significance (1 of 4 stars; one submission).

gnomAD v4.1: 2 of 1,614,140 alleles (0.00012%); highest among the groups gnomAD compares: Non-Finnish European, 0.00017%; no homozygotes.

Submission:

Labcorp Genetics (formerly Invitae), Labcorp
Classification: Uncertain significance. Last evaluated: 2024-12-02. Review status: criteria provided, single submitter. Criteria: Invitae Variant Classification Sherloc (09022015). Collection method: clinical testing. Allele origin: germline.
Comment: This sequence change replaces aspartic acid, which is acidic and polar, with tyrosine, which is neutral and polar, at codon 1163 of the SIN3A protein (p.Asp1163Tyr). This variant is not present in population databases (gnomAD no frequency). This variant has not been reported in the literature in individuals affected with SIN3A-related conditions. ClinVar contains an entry for this variant (Variation ID: 2101289). Invitae Evidence Modeling of protein sequence and biophysical properties (such as structural, functional, and spatial information, amino acid conservation, physicochemical variation, residue mobility, and thermodynamic stability) indicates that this missense variant is not expected to disrupt SIN3A protein function with a negative predictive value of 80%. In summary, the available evidence is currently insufficient to determine the role of this variant in disease. Therefore, it has been classified as a Variant of Uncertain Significance.

NM_001145358.2(SIN3A):c.3487G>T (p.Asp1163Tyr)

Gene: SIN3A (SIN3 transcription regulator family member A; minus strand). Cytogenetic location: 15q24.2.
Variant type: single nucleotide variant.
Coding change: c.3487G>T on transcript NM_001145358.2 (MANE Select); coding-DNA position 3487, G replaced by T.
Protein change: p.Asp1163Tyr; replaces aspartic acid 1163 with tyrosine.
Molecular consequence: missense variant.
Genome position (GRCh38, 1-based): chr15:75,375,769, C>A on the plus strand (G>T on the coding strand, the complement: SIN3A is on the minus strand). VCF-style: chr15-75375769-C-A. GRCh37 (hg19) VCF-style: chr15-75668110-C-A.
Other names: c.3487G>T, p.Asp1163Tyr (NM_001145357.2, NM_015477.3); short protein forms D1163Y.
Identifiers: ClinVar variation 2101289 (VCV002101289.4), dbSNP rs2542997232, ClinGen allele CA393485672.